The following is an entry in ClinVar:

ClinVar aggregate classification (germline): Uncertain significance (1 of 4 stars; one submission).

Allele frequency attached by ClinVar (database versions not stated): gnomAD exomes below 0.00001; ExAC 0.00001.
gnomAD v4.1: 2 of 1,614,216 alleles (0.00012%); highest among the groups gnomAD compares: Admixed American, 0.0033%; no homozygotes.

Submission:

Labcorp Genetics (formerly Invitae), Labcorp
Classification: Uncertain significance. Last evaluated: 2022-06-27. Review status: criteria provided, single submitter. Criteria: Invitae Variant Classification Sherloc (09022015). Collection method: clinical testing. Allele origin: germline.
Comment: This variant is present in population databases (rs746522776, gnomAD 0.003%). This variant has not been reported in the literature in individuals affected with ERMARD-related conditions. Algorithms developed to predict the effect of missense changes on protein structure and function are either unavailable or do not agree on the potential impact of this missense change (SIFT: "Deleterious"; PolyPhen-2: "Benign"; Align-GVGD: "Class C0"). In summary, the available evidence is currently insufficient to determine the role of this variant in disease. Therefore, it has been classified as a Variant of Uncertain Significance. This sequence change replaces isoleucine, which is neutral and non-polar, with arginine, which is basic and polar, at codon 208 of the ERMARD protein (p.Ile208Arg).

NM_018341.3(ERMARD):c.623T>G (p.Ile208Arg)

Gene: ERMARD (ER membrane associated RNA degradation; plus strand). Cytogenetic location: 6q27.
Variant type: single nucleotide variant.
Coding change: c.623T>G on transcript NM_018341.3 (MANE Select); coding-DNA position 623, T replaced by G.
Protein change: p.Ile208Arg; replaces isoleucine 208 with arginine.
Molecular consequence: missense variant.
Genome position (GRCh38, 1-based): chr6:169,759,855, T>G. VCF-style: chr6-169759855-T-G. GRCh37 (hg19) VCF-style: chr6-170159951-T-G.
Other names: c.623T>G, p.Ile208Arg (NM_001278531.2, NM_001278533.2); c.245T>G, p.Ile82Arg (NM_001278532.2); short protein forms I82R, I208R.
Identifiers: ClinVar variation 1402629 (VCV001402629.6), dbSNP rs746522776, ClinGen allele CA4105933.